The following is an entry in ClinVar:

NM_000136.3(FANCC):c.491A>C (p.Asn164Thr)

Gene: FANCC (FA complementation group C; minus strand). Cytogenetic location: 9q22.32.
Variant type: single nucleotide variant.
Coding change: c.491A>C on transcript NM_000136.3 (MANE Select); coding-DNA position 491, A replaced by C.
Protein change: p.Asn164Thr; replaces asparagine 164 with threonine.
Molecular consequence: missense variant.
Genome position (GRCh38, 1-based): chr9:95,171,109, T>G on the plus strand (A>C on the coding strand, the complement: FANCC is on the minus strand). VCF-style: chr9-95171109-T-G. GRCh37 (hg19) VCF-style: chr9-97933391-T-G.
Other names: c.491A>C, p.Asn164Thr (NM_001243743.2, NM_001243744.2); short protein forms N164T.
Identifiers: ClinVar variation 1300396 (VCV001300396.8), dbSNP rs950623649, ClinGen allele CA196885560.
Genomic context (GRCh38, chr9:95,171,109, plus strand): 5'-GAGAAGAAGGATGTTTAGTTTAACACCTACCGCCTTTGAGTGTTAAATCCATTAAGATGA[T>G]TCTCTCTGAGTTCAGACGCTAATGATAAAACCATCTGTAAAACAAAATCAGTTGCAGGTT-3'
Protein context (NP_000127.2, residues 154-174): VLSLASELRE[Asn164Thr]HLNGFNTQRR

ClinVar aggregate classification (germline): Conflicting classifications of pathogenicity. Review status: criteria provided, conflicting classifications (1 of 4 stars). 4 submissions from 4 submitters: Uncertain significance (3); Likely benign (1). Last evaluated 2024-06-05.

Conditions:
Hereditary cancer-predisposing syndrome. Also called: Tumor predisposition; Hereditary neoplastic syndrome; Neoplastic Syndromes, Hereditary; Hereditary Cancer Syndrome. Identifiers: Orphanet 140162, MedGen C0027672, MeSH D009386, MONDO:0015356.
Fanconi anemia complementation group C (FANCC). Also called: FANCC-Related Fanconi Anemia; FANCONI PANCYTOPENIA, TYPE 3; FACC; Fanconi anemia, group C. Identifiers: Orphanet 84, MedGen C3468041, MONDO:0009213, OMIM 227645.
Fanconi anemia (FA). Also called: Fanconi's anemia. Identifiers: Orphanet 84, MedGen C0015625, MeSH D005199, MONDO:0019391.

Allele frequency attached by ClinVar (database versions not stated): gnomAD 0.00003 and 0.00004; TOPMed 0.00003.
gnomAD v4.1: 4 of 1,613,500 alleles (0.00025%); highest among the groups gnomAD compares: African/African-American, 0.0053%; no homozygotes.

Submissions (4):

Ambry Genetics
Classification: Likely benign for Hereditary cancer-predisposing syndrome. Last evaluated: 2024-06-05. Review status: criteria provided, single submitter. Criteria: Ambry Variant Classification Scheme 2023. Collection method: clinical testing. Allele origin: germline.

GeneDx
Classification: Uncertain significance. Last evaluated: 2023-07-21. Review status: criteria provided, single submitter. Criteria: GeneDx Variant Classification Process June 2021. Collection method: clinical testing. Allele origin: germline. Affected: yes.
Comment: Has not been previously published as pathogenic or benign to our knowledge; In silico analysis supports that this missense variant does not alter protein structure/function

Labcorp Genetics (formerly Invitae), Labcorp
Classification: Uncertain significance for Fanconi anemia. Last evaluated: 2022-06-27. Review status: criteria provided, single submitter. Criteria: Invitae Variant Classification Sherloc (09022015). Collection method: clinical testing. Allele origin: germline.
Comment: This sequence change replaces asparagine, which is neutral and polar, with threonine, which is neutral and polar, at codon 164 of the FANCC protein (p.Asn164Thr). This variant is present in population databases (no rsID available, gnomAD 0.02%). This variant has not been reported in the literature in individuals affected with FANCC-related conditions. ClinVar contains an entry for this variant (Variation ID: 1300396). Algorithms developed to predict the effect of missense changes on protein structure and function are either unavailable or do not agree on the potential impact of this missense change (SIFT: "Tolerated"; PolyPhen-2: "Possibly Damaging"; Align-GVGD: "Class C0"). In summary, the available evidence is currently insufficient to determine the role of this variant in disease. Therefore, it has been classified as a Variant of Uncertain Significance.

Fulgent Genetics
Classification: Uncertain significance for Fanconi anemia complementation group C. Last evaluated: 2021-11-01. Review status: criteria provided, single submitter. Criteria: ACMG Guidelines, 2015. Collection method: clinical testing. Allele origin: unknown.